The following is an entry in ClinVar:

NM_005529.7(HSPG2):c.9235G>A (p.Val3079Met)

Gene: HSPG2 (heparan sulfate proteoglycan 2; minus strand). Cytogenetic location: 1p36.12.
Variant type: single nucleotide variant.
Coding change: c.9235G>A on transcript NM_005529.7 (MANE Select); coding-DNA position 9235, G replaced by A.
Protein change: p.Val3079Met; replaces valine 3079 with methionine.
Molecular consequence: missense variant.
Genome position (GRCh38, 1-based): chr1:21,841,632, C>T on the plus strand (G>A on the coding strand, the complement: HSPG2 is on the minus strand). VCF-style: chr1-21841632-C-T. GRCh37 (hg19) VCF-style: chr1-22168125-C-T.
Other names: c.9235G>A (NM_005529.5); c.9238G>A, p.Val3080Met (NM_001291860.2); short protein forms V3079M, V3080M.
Identifiers: ClinVar variation 287154 (VCV000287154.16), dbSNP rs187525491, ClinGen allele CA670506.
Genomic context (GRCh38, chr1:21,841,632, plus strand): 5'-CACCGTAGGCATTGGAGGCCACGCAGCGGTAGGTACCGTGGTTGCTGGGCCGGGTGCCCA[C>T]GATGGTGATGATGGAGCCATTGGGACTGATGTGGACGTTGTCTGTGAGGTTGCATGGGGG-3'
Protein context (NP_005520.4, residues 3069-3089): ISPNGSIITI[Val3079Met]GTRPSNHGTY

ClinVar aggregate classification (germline): Uncertain significance. Review status: criteria provided, multiple submitters, no conflicts (2 of 4 stars). 5 submissions from 5 submitters: Uncertain significance (5). Last evaluated 2025-08-21.

Conditions:
Inborn genetic diseases. Identifiers: MedGen C0950123, MeSH D030342.

Allele frequency attached by ClinVar (database versions not stated): ESP Exome Variant Server 0.00031; ExAC 0.00035; 1000 Genomes Project 0.00040; gnomAD 0.00040 and 0.00039; gnomAD exomes 0.00067 and 0.00034; 1000 Genomes Project 30x 0.00031; TOPMed 0.00034.
gnomAD v4.1: 1,011 of 1,614,130 alleles (0.063%); highest among the groups gnomAD compares: Non-Finnish European, 0.082%; no homozygotes.

Submissions (5):

Athena Diagnostics
Classification: Uncertain significance. Last evaluated: 2025-08-21. Review status: criteria provided, single submitter. Criteria: Athena Diagnostics Criteria. Collection method: clinical testing. Allele origin: unknown.
Comment: Available data are insufficient to determine the clinical significance of the variant at this time. The frequency of this variant in the general population is uninformative in assessment of its pathogenicity. Computational tools predict that this variant is not damaging.

Labcorp Genetics (formerly Invitae), Labcorp
Classification: Uncertain significance. Last evaluated: 2024-11-05. Review status: criteria provided, single submitter. Criteria: Invitae Variant Classification Sherloc (09022015). Collection method: clinical testing. Allele origin: germline.
Comment: This sequence change replaces valine, which is neutral and non-polar, with methionine, which is neutral and non-polar, at codon 3079 of the HSPG2 protein (p.Val3079Met). This variant is present in population databases (rs187525491, gnomAD 0.06%). This variant has not been reported in the literature in individuals affected with HSPG2-related conditions. ClinVar contains an entry for this variant (Variation ID: 287154). An algorithm developed to predict the effect of missense changes on protein structure and function outputs the following: PolyPhen-2: "Benign". The methionine amino acid residue is found in multiple mammalian species, which suggests that this missense change does not adversely affect protein function. In summary, the available evidence is currently insufficient to determine the role of this variant in disease. Therefore, it has been classified as a Variant of Uncertain Significance.

Ambry Genetics
Classification: Uncertain significance for Inborn genetic diseases. Last evaluated: 2021-04-09. Review status: criteria provided, single submitter. Criteria: Ambry Variant Classification Scheme 2023. Collection method: clinical testing. Allele origin: germline.

Revvity Omics, Revvity
Classification: Uncertain significance. Last evaluated: 2019-07-25. Review status: criteria provided, single submitter. Criteria: ACMG Guidelines, 2015. Collection method: clinical testing. Allele origin: germline.

Eurofins Ntd Llc (ga)
Classification: Uncertain significance. Last evaluated: 2016-03-31. Review status: criteria provided, single submitter. Criteria: EGL Classification Definitions 2015. Collection method: clinical testing. Allele origin: germline. Observed: 1 variant allele, 1 heterozygote.

Literature cited by the submitters: PubMed 28213671 (cited by Athena Diagnostics); PubMed 30871259 (cited by Athena Diagnostics).